The following is an entry in ClinVar:

NM_182961.4(SYNE1):c.12598A>G (p.Thr4200Ala)

Gene: SYNE1 (spectrin repeat containing nuclear envelope protein 1; minus strand). Cytogenetic location: 6q25.2.
Variant type: single nucleotide variant.
Coding change: c.12598A>G on transcript NM_182961.4 (MANE Select); coding-DNA position 12598, A replaced by G.
Protein change: p.Thr4200Ala; replaces threonine 4200 with alanine.
Molecular consequence: missense variant.
Genome position (GRCh38, 1-based): chr6:152,334,204, T>C on the plus strand (A>G on the coding strand, the complement: SYNE1 is on the minus strand). VCF-style: chr6-152334204-T-C. GRCh37 (hg19) VCF-style: chr6-152655339-T-C.
Other names: c.12385A>G, p.Thr4129Ala (NM_033071.5); short protein forms T4200A, T4129A.
Identifiers: ClinVar variation 2014862 (VCV002014862.4), dbSNP rs2485626767, ClinGen allele CA366106605.
Genomic context (GRCh38, chr6:152,334,204, plus strand): 5'-CGAGCCACTGATCATTTAAATGATTTATTTCCTTGTGTTCAGGCGATTCCTCCTTCTTTG[T>C]TAACTTATTCACCTTTTCTATTATGGTGTTCACGGATGCCTGTTTGCTCTGTAGTTTCTT-3'
Protein context (NP_892006.3, residues 4190-4210): NTIIEKVNKL[Thr4200Ala]KKEESPEHKE

ClinVar aggregate classification (germline): Uncertain significance (1 of 4 stars; one submission).

Conditions:
Autosomal recessive ataxia, Beauce type. Also called: SYNE1 Deficiency; Spinocerebellar ataxia, autosomal recessive 8; ATAXIA, RECESSIVE, OF BEAUCE; SYNE1-Related Autosomal Recessive Cerebellar Ataxia. Identifiers: Orphanet 88644, MedGen C1853116, MONDO:0012549, OMIM 610743.
Emery-Dreifuss muscular dystrophy 4, autosomal dominant (EDMD4). Also called: EMERY-DREIFUSS MUSCULAR DYSTROPHY 4 WITH VARIABLE FEATURES. Identifiers: Orphanet 261, MedGen C2751807, MONDO:0013071, OMIM 612998.

Submission:

Labcorp Genetics (formerly Invitae), Labcorp
Classification: Uncertain significance for Emery-Dreifuss muscular dystrophy 4, autosomal dominant; Autosomal recessive ataxia, Beauce type. Last evaluated: 2022-07-07. Review status: criteria provided, single submitter. Criteria: Invitae Variant Classification Sherloc (09022015). Collection method: clinical testing. Allele origin: germline.
Comment: This sequence change replaces threonine, which is neutral and polar, with alanine, which is neutral and non-polar, at codon 4129 of the SYNE1 protein (p.Thr4129Ala). This variant is not present in population databases (gnomAD no frequency). This variant has not been reported in the literature in individuals affected with SYNE1-related conditions. Algorithms developed to predict the effect of missense changes on protein structure and function (SIFT, PolyPhen-2, Align-GVGD) all suggest that this variant is likely to be disruptive. In summary, the available evidence is currently insufficient to determine the role of this variant in disease. Therefore, it has been classified as a Variant of Uncertain Significance.